The following is an entry in ClinVar:

NM_000271.5(NPC1):c.2044T>A (p.Leu682Met)

Gene: NPC1 (NPC intracellular cholesterol transporter 1; minus strand). Cytogenetic location: 18q11.2.
Variant type: single nucleotide variant.
Coding change: c.2044T>A on transcript NM_000271.5 (MANE Select); coding-DNA position 2044, T replaced by A.
Protein change: p.Leu682Met; replaces leucine 682 with methionine.
Molecular consequence: missense variant.
Genome position (GRCh38, 1-based): chr18:23,544,430, A>T on the plus strand (T>A on the coding strand, the complement: NPC1 is on the minus strand). VCF-style: chr18-23544430-A-T. GRCh37 (hg19) VCF-style: chr18-21124394-A-T.
Other names: short protein forms L682M.
Identifiers: ClinVar variation 2413590 (VCV002413590.2), dbSNP rs1378634197, ClinGen allele CA401771425.

ClinVar aggregate classification (germline): Uncertain significance (1 of 4 stars; one submission).

Conditions:
Niemann-Pick disease, type C1. Also called: NIEMANN-PICK DISEASE, VARIANT TYPE C1; NEUROVISCERAL STORAGE DISEASE WITH VERTICAL SUPRANUCLEAR OPHTHALMOPLEGIA; NIEMANN-PICK DISEASE WITH CHOLESTEROL ESTERIFICATION BLOCK; NIEMANN-PICK DISEASE WITHOUT SPHINGOMYELINASE DEFICIENCY; NIEMANN-PICK DISEASE, CHRONIC NEURONOPATHIC FORM. Identifiers: Orphanet 646, MedGen C3179455, MONDO:0009757, OMIM 257220.

Allele frequency attached by ClinVar (database versions not stated): gnomAD exomes below 0.00001; TOPMed below 0.00001; gnomAD 0.00001.

Submission:

Labcorp Genetics (formerly Invitae), Labcorp
Classification: Uncertain significance for Niemann-Pick disease, type C1. Last evaluated: 2022-07-30. Review status: criteria provided, single submitter. Criteria: Invitae Variant Classification Sherloc (09022015). Collection method: clinical testing. Allele origin: germline.
Comment: This sequence change replaces leucine, which is neutral and non-polar, with methionine, which is neutral and non-polar, at codon 682 of the NPC1 protein (p.Leu682Met). This variant is present in population databases (no rsID available, gnomAD 0.007%). This variant has not been reported in the literature in individuals affected with NPC1-related conditions. Algorithms developed to predict the effect of missense changes on protein structure and function (SIFT, PolyPhen-2, Align-GVGD) all suggest that this variant is likely to be tolerated. In summary, the available evidence is currently insufficient to determine the role of this variant in disease. Therefore, it has been classified as a Variant of Uncertain Significance.